The following is an entry in ClinVar:

NM_001358530.2(MOCS1):c.949C>T (p.Arg317Cys)

Gene: MOCS1 (molybdenum cofactor synthesis 1; minus strand). Cytogenetic location: 6p21.2.
Variant type: single nucleotide variant.
Coding change: c.949C>T on transcript NM_001358530.2 (MANE Select); coding-DNA position 949, C replaced by T.
Protein change: p.Arg317Cys; replaces arginine 317 with cysteine.
Molecular consequence: missense variant. On other transcripts: non-coding transcript variant (1).
Genome position (GRCh38, 1-based): chr6:39,912,296, G>A on the plus strand (C>T on the coding strand, the complement: MOCS1 is on the minus strand). VCF-style: chr6-39912296-G-A. GRCh37 (hg19) VCF-style: chr6-39880040-G-A.
Other names: c.949C>T, p.Arg317Cys (NM_001075098.4, NM_001358529.2, NM_005943.6); c.688C>T, p.Arg230Cys (NM_001358531.2, NM_001358533.2, NM_001358534.2); short protein forms R230C, R317C.
Identifiers: ClinVar variation 2676650 (VCV002676650.6), dbSNP rs866399151, ClinGen allele CA137649773.
Genomic context (GRCh38, chr6:39,912,296, plus strand): 5'-GGGTCCCTGTGGAGGAGGGGATGCTCACCTTGAGGTTCCCATCAGCTGTGATTCGCAGGC[G>A]GTTGCAGGTCCCACAGAAATGCTCAGACATGGATGTGATGAAGCTGATCTGGCCTTGGAA-3'
Protein context (NP_001345459.1, residues 307-327): MSEHFCGTCN[Arg317Cys]LRITADGNLK

ClinVar aggregate classification (germline): Conflicting classifications of pathogenicity. Review status: criteria provided, conflicting classifications (1 of 4 stars). 3 submissions from 3 submitters: Pathogenic (1); Likely pathogenic (1); Uncertain significance (1). Last evaluated 2026-01-19.

Conditions:
Combined molybdoflavoprotein enzyme deficiency (MOCOD). Also called: Molybdenum cofactor deficiency; Combined deficiency of sulfite oxidase, xanthine dehydrogenase, and aldehyde oxidase; Sulfite oxidase deficiency due to molybdenum cofactor deficiency. Identifiers: Orphanet 833, Orphanet 99732, MedGen C0268119, MONDO:0020480, HP:0003570.
MOCS1-related disorder. Also called: MOCS1-related condition.
Intellectual disability. Also called: Intellectual functioning disability; intellectual disabilities; Intellectual developmental disorder. Identifiers: MedGen C3714756, MeSH D008607, MONDO:0001071, HP:0001249.

Allele frequency attached by ClinVar (database versions not stated): gnomAD 0.00001; gnomAD exomes 0.00001; TOPMed 0.00003.

Submissions (3):

Women's Health and Genetics/Laboratory Corporation of America, LabCorp
Classification: Pathogenic for Combined molybdoflavoprotein enzyme deficiency. Last evaluated: 2026-01-19. Review status: criteria provided, single submitter. Criteria: LabCorp Variant Classification Summary - May 2015. Collection method: clinical testing. Allele origin: germline.
Comment: Variant summary: MOCS1 c.949C>T (p.Arg317Cys) results in a non-conservative amino acid change in the encoded protein sequence. Algorithms developed to predict the effect of missense changes on protein structure and function all suggest that this variant is likely to be disruptive. The variant allele was found at a frequency of 4e-06 in 251402 control chromosomes. c.949C>T has been observed in multiple individuals affected with Molybdenum Cofactor Deficiency (e.g. Lubout_2018, Yoshimura_2019). These data indicate that the variant is very likely to be associated with disease. To our knowledge, no experimental evidence demonstrating an impact on protein function has been reported. The following publications have been ascertained in the context of this evaluation (PMID: 29274890, 30695801). ClinVar contains an entry for this variant (Variation ID: 2676650). Based on the evidence outlined above, the variant was classified as pathogenic.

Blueprint Genetics
Classification: Likely pathogenic for MOCS1-related disorders. Last evaluated: 2023-02-07. Review status: criteria provided, single submitter. Criteria: ACMG Guidelines, 2015. Collection method: clinical testing. Allele origin: germline. Affected: yes. Observed: 3 variant alleles.

Cambridge Genomics Laboratory, East Genomic Laboratory Hub, NHS Genomic Medicine Service
Classification: Uncertain significance for Intellectual disability. Last evaluated: 2019-04-17. Review status: criteria provided, single submitter. Criteria: ACGS Best Practice Guidelines for Variant Classification in Rare Disease 2020. Collection method: clinical testing. Allele origin: germline. Affected: yes. Observed: 1 variant allele.

Literature cited by the submitters: PubMed 29274890 (cited by Women's Health and Genetics/Laboratory Corporation of America, LabCorp); PubMed 30695801 (cited by Women's Health and Genetics/Laboratory Corporation of America, LabCorp).